The following is an entry in ClinVar:

NM_003907.3(EIF2B5):c.1487del (p.Leu496fs)

Gene: EIF2B5 (eukaryotic translation initiation factor 2B subunit epsilon; plus strand). Cytogenetic location: 3q27.1.
Variant type: Deletion.
Coding change: c.1487del on transcript NM_003907.3 (MANE Select); coding-DNA position 1487, one base deleted (T; older notation c.1487delT).
Protein change: p.Leu496fs; shifts the reading frame from leucine 496.
Molecular consequence: frameshift variant.
Genome position (GRCh38, 1-based): chr3:184,142,544, T deleted. VCF-style (leftmost placement, unchanged base first): chr3-184142543-CT-C. GRCh37 (hg19) VCF-style: chr3-183860331-CT-C.
Other names: short protein forms L496fs.
Identifiers: ClinVar variation 1072193 (VCV001072193.5), dbSNP rs2109010667, ClinGen allele CA2499216615.

ClinVar aggregate classification (germline): Pathogenic (1 of 4 stars; one submission).

Submission:

Labcorp Genetics (formerly Invitae), Labcorp
Classification: Pathogenic. Last evaluated: 2020-09-01. Review status: criteria provided, single submitter. Criteria: Invitae Variant Classification Sherloc (09022015). Collection method: clinical testing. Allele origin: germline.
Comment: For these reasons, this variant has been classified as Pathogenic. Loss-of-function variants in EIF2B5 are known to be pathogenic (PMID: 11704758, 15060152, 21307862). This variant has not been reported in the literature in individuals with EIF2B5-related conditions. This variant is not present in population databases (ExAC no frequency). This sequence change creates a premature translational stop signal (p.Leu496Profs*7) in the EIF2B5 gene. It is expected to result in an absent or disrupted protein product.

Literature cited by the submitters: PubMed 11704758; PubMed 15060152; PubMed 21307862.